The following is an entry in ClinVar:

ClinVar aggregate classification (germline): Benign/Likely benign. Review status: criteria provided, multiple submitters, no conflicts (2 of 4 stars). 11 submissions from 11 submitters: Benign (7); Likely benign (1). 3 of the submissions do not count toward it. Last evaluated 2026-02-04.

Conditions:
Hereditary cancer-predisposing syndrome. Also called: Tumor predisposition; Hereditary neoplastic syndrome; Hereditary Cancer Syndrome; Neoplastic Syndromes, Hereditary. Identifiers: Orphanet 140162, MedGen C0027672, MeSH D009386, MONDO:0015356.
Oligodontia-cancer predisposition syndrome. Also called: TOOTH AGENESIS-COLORECTAL CANCER SYNDROME. Identifiers: Orphanet 300576, MedGen C1837750, MONDO:0012075, OMIM 608615. Disease mechanism: loss of function.

Allele frequency attached by ClinVar (database versions not stated): gnomAD exomes 0.05553 and 0.08327; ESP Exome Variant Server 0.06951; gnomAD 0.08430 and 0.08699; ExAC 0.08507; 1000 Genomes Project 0.14696; TOPMed 0.09161; 1000 Genomes Project 30x 0.14553.
gnomAD v4.1: 94,382 of 1,611,332 alleles (5.9%); highest among the groups gnomAD compares: East Asian, 29%; 4,800 homozygotes.

Submissions (11):

Labcorp Genetics (formerly Invitae), Labcorp
Classification: Benign for Oligodontia-cancer predisposition syndrome. Last evaluated: 2026-02-04. Review status: criteria provided, single submitter. Criteria: Invitae Variant Classification Sherloc (09022015). Collection method: clinical testing. Allele origin: germline.

GeneKor MSA
Classification: Benign for Hereditary cancer-predisposing syndrome. Last evaluated: 2025-07-10. Review status: criteria provided, single submitter. Criteria: ACMG Guidelines, 2015. Collection method: clinical testing. Allele origin: germline.

Blueprint Genetics
Classification: Likely benign. Last evaluated: 2024-11-27. Review status: criteria provided, single submitter. Criteria: ACMG Guidelines, 2015. Collection method: clinical testing. Allele origin: germline.

KCCC/NGS Laboratory, Kuwait Cancer Control Center
Classification: Benign for Oligodontia-cancer predisposition syndrome. Last evaluated: 2023-07-07. Review status: criteria provided, single submitter. Criteria: ACMG Guidelines, 2015. Collection method: clinical testing. Allele origin: germline. Affected: yes.

Women's Health and Genetics/Laboratory Corporation of America, LabCorp
Classification: Benign. Last evaluated: 2016-04-28. Review status: criteria provided, single submitter. Criteria: LabCorp Variant Classification Summary - May 2015. Collection method: clinical testing. Allele origin: germline.
Comment: Variant Summary: The c.956+16A>G variant affects a non-conserved intronic nucleotide at an intronic position not widely known to affect splicing. MutationTaster predicts benign outcome for this variant. In addition, 5/5 splice-site tools in Alamut predict that this variant does not affect normal splicing. This variant is found in 9192/108058 control chromosomes from the large and broad populations of ExAC (including 609 homozygotes) at a frequency of 0.0850654, which is about 599 times greater than the maximal expected frequency of a pathogenic allele (0.0001421) in this gene, suggesting this variant is benign. Taken together, this variant has been classified as Benign.

GeneDx
Classification: Benign. Last evaluated: 2015-03-03. Review status: criteria provided, single submitter. Criteria: GeneDx Variant Classification Process June 2021. Collection method: clinical testing. Allele origin: germline. Affected: yes.

Breakthrough Genomics
Classification: Benign. Review status: criteria provided, single submitter. Criteria: ACMG Guidelines, 2015. Collection method: not provided. Allele origin: germline. Inheritance: Autosomal dominant inheritance. Affected: yes.

PreventionGenetics, part of Exact Sciences
Classification: Benign. Review status: criteria provided, single submitter. Criteria: ACMG Guidelines, 2015. Collection method: clinical testing. Allele origin: germline.

Clinical Genetics, Academic Medical Center
Classification: Benign. Review status: no assertion criteria provided. Collection method: clinical testing. Allele origin: germline. Affected: yes. Study: VKGL Data-share Consensus. Not counted in ClinVar's aggregate classification.

Genome Diagnostics Laboratory, University Medical Center Utrecht
Classification: Benign. Review status: no assertion criteria provided. Collection method: clinical testing. Allele origin: germline. Affected: yes. Study: VKGL Data-share Consensus. Not counted in ClinVar's aggregate classification.

Mayo Clinic Laboratories, Mayo Clinic
Classification: Benign. Review status: no assertion criteria provided. Collection method: clinical testing. Allele origin: unknown. Not counted in ClinVar's aggregate classification.

NM_004655.4(AXIN2):c.956+16A>G

Gene: AXIN2 (axin 2; minus strand). Cytogenetic location: 17q24.1.
Variant type: single nucleotide variant.
Coding change: c.956+16A>G on transcript NM_004655.4 (MANE Select); 16 bases into the intron after coding-DNA position 956, A replaced by G.
Molecular consequence: intron variant.
Genome position (GRCh38, 1-based): chr17:65,549,504, T>C on the plus strand (A>G on the coding strand, the complement: AXIN2 is on the minus strand). VCF-style: chr17-65549504-T-C. GRCh37 (hg19) VCF-style: chr17-63545622-T-C.
Other names: c.956+16A>G (LRG_296t1, NM_001363813.1).
Identifiers: ClinVar variation 259516 (VCV000259516.19), dbSNP rs35285779, ClinGen allele CA8718930.
Genomic context (GRCh38, chr17:65,549,504, plus strand): 5'-ACAGACGATTCTGGCTAAGTGCTCAGGTGGCATCCACTCCCAAGCAAGCCCACGGAAGGG[T>C]GGCCAGGATACTCACACACTGCTGTCCGTCATGGACATGGAATCATCCGTCAGCGCATCA-3'